The following is an entry in ClinVar:

ClinVar aggregate classification (germline): Likely benign (1 of 4 stars; one submission).

Allele frequency attached by ClinVar (database versions not stated): TOPMed 0.00001; ExAC 0.00003; gnomAD 0.00003; gnomAD exomes 0.00004.
gnomAD v4.1: 39 of 1,180,435 alleles (0.0033%); highest among the groups gnomAD compares: Middle Eastern, 0.047%; no homozygotes.

Submissions (3):

CeGaT Center for Human Genetics Tuebingen
Classification: Likely benign. Last evaluated: 2022-12-01. Review status: criteria provided, single submitter. Criteria: CeGaT Center For Human Genetics Tuebingen Variant Classification Criteria Version 2. Collection method: clinical testing. Allele origin: germline. Affected: yes. Observed: 1 variant allele.
Comment: GPKOW: BP4

Dr. Peter K. Rogan Lab, Western University
No classification provided (evidence only). Condition: Thyroid cancer, nonmedullary, 1. Review status: no classification provided. Collection method: in vitro. Allele origin: not applicable. Functional consequence: retained intron. Not counted in ClinVar's aggregate classification.

Dr. Peter K. Rogan Lab, Western University
No classification provided (evidence only). Condition: Hepatocellular carcinoma. Review status: no classification provided. Collection method: in vitro. Allele origin: not applicable. Functional consequence: retained intron. Not counted in ClinVar's aggregate classification.

NM_015698.6(GPKOW):c.1016G>A (p.Arg339Gln)

Gene: GPKOW (G-patch domain and KOW motifs; minus strand). Cytogenetic location: Xp11.23.
Variant type: single nucleotide variant.
Coding change: c.1016G>A on transcript NM_015698.6 (MANE Select); coding-DNA position 1016, G replaced by A.
Protein change: p.Arg339Gln; replaces arginine 339 with glutamine.
Molecular consequence: missense variant.
Genome position (GRCh38, 1-based): chrX:49,116,221, C>T on the plus strand (G>A on the coding strand, the complement: GPKOW is on the minus strand). VCF-style: chrX-49116221-C-T. GRCh37 (hg19) VCF-style: chrX-48972575-C-T.
Other names: NC_000023.10:g.48972575C>T; short protein forms R339Q.
Identifiers: ClinVar variation 2660509 (VCV002660509.25), dbSNP rs781887815, ClinGen allele CA10408751.